The following is an entry in ClinVar:

ClinVar aggregate classification (germline): Likely pathogenic (1 of 4 stars; one submission).

Conditions:
Glycogen storage disease type III (GSD3). Also called: Cori disease; FORBES DISEASE. Identifiers: Orphanet 366, MedGen C0017922, MONDO:0009291, OMIM 232400.

Submission:

Myriad Genetics, Inc.
Classification: Likely pathogenic for Glycogen storage disease type III. Last evaluated: 2020-03-07. Review status: criteria provided, single submitter. Criteria: Myriad Women's Health Autosomal Recessive and X-Linked Classification Criteria (2019). Collection method: clinical testing. Allele origin: unknown.
Comment: NM_000642.2(AGL):c.3793G>T(E1265*) is expected to be pathogenic in the context of glycogen storage disease type III. This variant is predicted to lead to an abnormal or absent protein product due to the creation of a premature termination codon in AGL, a gene where loss-of-function variants are known to be pathogenic. Please note: this variant was assessed in the context of healthy population screening.

NM_000642.3(AGL):c.3793G>T (p.Glu1265Ter)

Gene: AGL (amylo-alpha-1,6-glucosidase and 4-alpha-glucanotransferase; plus strand). Cytogenetic location: 1p21.2.
Variant type: single nucleotide variant.
Coding change: c.3793G>T on transcript NM_000642.3 (MANE Select); coding-DNA position 3793, G replaced by T.
Protein change: p.Glu1265Ter; replaces glutamic acid 1265 with a stop codon.
Molecular consequence: nonsense.
Genome position (GRCh38, 1-based): chr1:99,910,804, G>T. VCF-style: chr1-99910804-G-T. GRCh37 (hg19) VCF-style: chr1-100376360-G-T.
Other names: c.3793G>T, p.Glu1265Ter (NM_000028.3, NM_000643.3, NM_000644.3 and 1 more transcripts); c.3745G>T, p.Glu1249Ter (NM_000646.3); c.3772G>T, p.Glu1258Ter (NM_001425326.1); c.3592G>T, p.Glu1198Ter (NM_001425327.1); c.3589G>T, p.Glu1197Ter (NM_001425328.1); c.3454G>T, p.Glu1152Ter (NM_001425329.1); c.3415G>T, p.Glu1139Ter (NM_001425332.1); short protein forms E1249*, E1265*, E1139*, E1152*, E1197*, E1198*, E1258*.
Identifiers: ClinVar variation 984282 (VCV000984282.3), dbSNP rs1654695322, ClinGen allele CA341337903.